The following is an entry in ClinVar:

ClinVar aggregate classification (germline): Benign/Likely benign. Review status: criteria provided, multiple submitters, no conflicts (2 of 4 stars). 3 submissions from 3 submitters: Benign (1); Likely benign (2). Last evaluated 2025-12-28.

Conditions:
Hereditary cancer-predisposing syndrome. Also called: Tumor predisposition; Hereditary Cancer Syndrome; Hereditary neoplastic syndrome; Neoplastic Syndromes, Hereditary. Identifiers: Orphanet 140162, MedGen C0027672, MeSH D009386, MONDO:0015356.
Familial cancer of breast. Also called: hereditary breast carcinoma; BREAST CANCER, FAMILIAL; Hereditary breast cancer. Identifiers: Orphanet 227535, MedGen C0346153, MONDO:0016419, OMIM 114480. Disease mechanism: loss of function.

Allele frequency attached by ClinVar (database versions not stated): gnomAD exomes below 0.00001.
gnomAD v4.1: 3 of 1,613,726 alleles (0.00019%); highest among the groups gnomAD compares: Non-Finnish European, 0.00025%; no homozygotes.

Submissions (3):

Labcorp Genetics (formerly Invitae), Labcorp
Classification: Likely benign for Familial cancer of breast. Last evaluated: 2025-12-28. Review status: criteria provided, single submitter. Criteria: Invitae Variant Classification Sherloc (09022015). Collection method: clinical testing. Allele origin: germline.

Myriad Genetics, Inc.
Classification: Benign for Familial cancer of breast. Last evaluated: 2025-01-10. Review status: criteria provided, single submitter. Criteria: Myriad Autosomal Dominant, Autosomal Recessive and X-Linked Classification Criteria (2023). Collection method: clinical testing. Allele origin: unknown.
Comment: This variant is considered benign. This variant is a silent/synonymous amino acid change and it is not expected to impact splicing.

Ambry Genetics
Classification: Likely benign for Hereditary cancer-predisposing syndrome. Last evaluated: 2016-12-08. Review status: criteria provided, single submitter. Criteria: Ambry Variant Classification Scheme 2023. Collection method: clinical testing. Allele origin: germline.

NM_024675.4(PALB2):c.432A>G (p.Pro144=)

Gene: PALB2 (partner and localizer of BRCA2; minus strand). Cytogenetic location: 16p12.2.
Variant type: single nucleotide variant.
Coding change: c.432A>G on transcript NM_024675.4 (MANE Select); coding-DNA position 432, A replaced by G.
Protein change: p.Pro144=; no amino-acid change (proline 144 retained).
Molecular consequence: synonymous variant.
Genome position (GRCh38, 1-based): chr16:23,636,114, T>C on the plus strand (A>G on the coding strand, the complement: PALB2 is on the minus strand). VCF-style: chr16-23636114-T-C. GRCh37 (hg19) VCF-style: chr16-23647435-T-C.
Identifiers: ClinVar variation 486017 (VCV000486017.18), dbSNP rs1555461797, ClinGen allele CA494462181.
Genomic context (GRCh38, chr16:23,636,114, plus strand): 5'-AAAGACACAGTCTCTCTCCTGTGAAATAAATGTCCTCTTCTGCTGCTTCTTTCTTCTGCT[T>C]GGCAGCTTCTGCTTTTGCTCACCACTAGGGTCACTGACCCTGTGGGGAAAATGTTCTTGG-3'
Protein context (NP_078951.2, residues 134-154): DPSGEQKQKL[Pro144=]SRRKKQQKRT